The following is an entry in ClinVar:

ClinVar aggregate classification (germline): Likely benign (1 of 4 stars; one submission).

gnomAD v4.1: 3 of 1,537,638 alleles (0.0002%); highest among the groups gnomAD compares: Non-Finnish European, 0.00026%; no homozygotes.

Submission:

CeGaT Center for Human Genetics Tuebingen
Classification: Likely benign. Last evaluated: 2025-05-01. Review status: criteria provided, single submitter. Criteria: CeGaT Center For Human Genetics Tuebingen Variant Classification Criteria Version 2. Collection method: clinical testing. Allele origin: germline. Affected: yes. Observed: 1 variant allele.
Comment: ANKRD36: BP4, BP7

NM_001354587.1(ANKRD36):c.1464G>T (p.Thr488=)

Gene: ANKRD36 (ankyrin repeat domain 36; plus strand). Cytogenetic location: 2q11.2.
Variant type: single nucleotide variant.
Coding change: c.1464G>T on transcript NM_001354587.1 (MANE Select); coding-DNA position 1464, G replaced by T.
Protein change: p.Thr488=; no amino-acid change (threonine 488 retained).
Molecular consequence: synonymous variant.
Genome position (GRCh38, 1-based): chr2:97,164,402, G>T. VCF-style: chr2-97164402-G-T. GRCh37 (hg19) VCF-style: chr2-97830139-G-T.
Identifiers: ClinVar variation 3905910 (VCV003905910.10).